The following is an entry in ClinVar:

NM_001171613.2(PREPL):c.538A>G (p.Ile180Val)

Gene: PREPL (prolyl endopeptidase like; minus strand). Cytogenetic location: 2p21.
Variant type: single nucleotide variant.
Coding change: c.538A>G on transcript NM_001171613.2 (MANE Select); coding-DNA position 538, A replaced by G.
Protein change: p.Ile180Val; replaces isoleucine 180 with valine.
Molecular consequence: missense variant.
Genome position (GRCh38, 1-based): chr2:44,339,311, T>C on the plus strand (A>G on the coding strand, the complement: PREPL is on the minus strand). VCF-style: chr2-44339311-T-C. GRCh37 (hg19) VCF-style: chr2-44566450-T-C.
Other names: c.805A>G, p.Ile269Val (NM_001042385.2, NM_001042386.2, NM_001171603.1 and 4 more transcripts); c.538A>G, p.Ile180Val (NM_001171617.1, NM_001374277.1); short protein forms I180V, I269V.
Identifiers: ClinVar variation 848611 (VCV000848611.9), dbSNP rs1266141014, ClinGen allele CA346692298.
Genomic context (GRCh38, chr2:44,339,311, plus strand): 5'-GTGGGTCCCAAGGGCTCAGGCCATCTATCAACCACACTTCAGAAGTAGTCTTGTTCATAA[T>C]ATTTATGGTGAGGAAACGACTGTCTTTTGTAAGATAAAGGAAAACAAAGTAGCTAGAGAG-3'
Protein context (NP_001165084.1, residues 170-190): TKDSRFLTIN[Ile180Val]MNKTTSEVWL

ClinVar aggregate classification (germline): Uncertain significance (1 of 4 stars; one submission).

Conditions:
Myasthenic syndrome, congenital, 22 (CMS22). Also called: PREPL DEFICIENCY. Identifiers: MedGen C4479088, MONDO:0044299, OMIM 616224.

Allele frequency attached by ClinVar (database versions not stated): gnomAD exomes below 0.00001; gnomAD 0.00001; TOPMed 0.00002.
gnomAD v4.1: 4 of 1,613,870 alleles (0.00025%); highest among the groups gnomAD compares: Non-Finnish European, 0.00025%; no homozygotes.

Submission:

Labcorp Genetics (formerly Invitae), Labcorp
Classification: Uncertain significance for Myasthenic syndrome, congenital, 22. Last evaluated: 2022-07-06. Review status: criteria provided, single submitter. Criteria: Invitae Variant Classification Sherloc (09022015). Collection method: clinical testing. Allele origin: germline.
Comment: This sequence change replaces isoleucine, which is neutral and non-polar, with valine, which is neutral and non-polar, at codon 269 of the PREPL protein (p.Ile269Val). In summary, the available evidence is currently insufficient to determine the role of this variant in disease. Therefore, it has been classified as a Variant of Uncertain Significance. Algorithms developed to predict the effect of missense changes on protein structure and function (SIFT, PolyPhen-2, Align-GVGD) all suggest that this variant is likely to be tolerated. ClinVar contains an entry for this variant (Variation ID: 848611). This variant has not been reported in the literature in individuals affected with PREPL-related conditions. This variant is present in population databases (no rsID available, gnomAD 0.0009%).